The following is an entry in ClinVar:

ClinVar aggregate classification (germline): Pathogenic. Review status: reviewed by expert panel (3 of 4 stars). 2 submissions from 2 submitters: Pathogenic (1). 1 of the submissions does not count toward it. Last evaluated 2024-03-26.

Conditions:
Hereditary thrombocytopenia and hematologic cancer predisposition syndrome. Identifiers: Orphanet 71290, MedGen CN281654, MONDO:0011071.
Hereditary thrombocytopenia and hematological cancer predisposition syndrome associated with RUNX1. Also called: Familial Platelet Disorder with Propensity to Acute Myelogenous Leukemia; PLATELET DISORDER, ASPIRIN-LIKE; RUNX1 Familial Platelet Disorder with Associated Myeloid Malignancies; Familial thrombocytopenia with propensity to acute myelogenous leukemia. Identifiers: Orphanet 71290, MedGen C1832388, MeSH C563324, MONDO:0100083, OMIM 601399.

Submissions (2):

ClinGen Myeloid Malignancy Variant Curation Expert Panel
Classification: Pathogenic for Hereditary thrombocytopenia and hematologic cancer predisposition syndrome. Last evaluated: 2024-03-26. Review status: reviewed by expert panel. Criteria: ClinGen MyeloMalig ACMG Specifications v2. Collection method: curation. Allele origin: germline. Inheritance: Autosomal dominant inheritance.
Comment: The NM_001754.4(RUNX1):c.442_449delACCGCAGC (p.Thr148Hisfs) variant is a frameshift variant that is predicted to introduce a premature stop codon and expected to result in nonsense-mediated mRNA decay (PVS1). This variant is completely absent from all population databases with at least 20x coverage for RUNX1 (PM2_supporting). This variant is a nonsense/frameshift variants that is downstream of c.98 (PM5_Supporting). This variant has been reported in one proband meeting at least one of the RUNX1-phenotypic criteria (PS4_ Supporting; PMID: 27112265). In summary, this variant meets criteria to be classified as pathogenic. ACMG/AMP criteria applied, as specified by the Myeloid Malignancy Variant Curation Expert Panel for RUNX1: PVS1, PM2_supporting, PS4_Supporting, PM5_supporting.

OMIM
Classification: Pathogenic for PLATELET DISORDER, FAMILIAL, WITH ASSOCIATED MYELOID MALIGNANCY. Last evaluated: 2008-08-01. Review status: no assertion criteria provided. Collection method: literature only. Allele origin: germline. Not counted in ClinVar's aggregate classification.

Literature cited by the submitters: PubMed 27112265 (cited by ClinGen Myeloid Malignancy Variant Curation Expert Panel); PubMed 18478040 (cited by OMIM).

NM_001754.5(RUNX1):c.442_449del (p.Thr148fs)

Genes: RUNX1 (RUNX family transcription factor 1; minus strand), RUNX1-AS1 (RUNX1 antisense RNA 1; plus strand). Cytogenetic location: 21q22.12.
Variant type: Deletion.
Coding change: c.442_449del on transcript NM_001754.5 (MANE Select); coding-DNA positions 442 to 449, 8 bases deleted (ACCGCAGC; older notation c.442_449delACCGCAGC).
Protein change: p.Thr148fs; shifts the reading frame from threonine 148.
Molecular consequence: frameshift variant.
Genome position (GRCh38, 1-based): chr21:34,880,616-34,880,623, GCTGCGGT deleted on the plus strand (ACCGCAGC on the coding strand, the reverse complement: RUNX1 is on the minus strand). VCF-style (leftmost placement, unchanged base first): chr21-34880615-GGCTGCGGT-G. GRCh37 (hg19) VCF-style: chr21-36252912-GGCTGCGGT-G.
Other names: NM_001754.4(RUNX1):c.442_449delACCGCAGC; NM_001754.5(RUNX1):c.442_449del; p.Thr148fs; c.361_368del, p.Thr121fs (NM_001001890.3, NM_001122607.2); short protein forms T121fs, T148fs.
Identifiers: ClinVar variation 14470 (VCV000014470.3), dbSNP rs587776811, ClinGen allele CA248627.
Genomic context (GRCh38, chr21:34,880,615, plus strand): 5'-ACCTCTTCCACTTCGACCGACAAACCTGAGGTCATTAAATCTTGCAACCTGGTTCTTCAT[GGCTGCGGT>G]AGCATTTCTCAGCTCAGCCGAGTAGTTTTCATCATTGCCAGCCATCACAGTGACCAGAGT-3'